The following is an entry in ClinVar:

NM_000038.6(APC):c.2842T>G (p.Ser948Ala)

Gene: APC (APC regulator of Wnt signaling pathway; plus strand). Cytogenetic location: 5q22.2.
Variant type: single nucleotide variant.
Coding change: c.2842T>G on transcript NM_000038.6 (MANE Select); coding-DNA position 2842, T replaced by G.
Protein change: p.Ser948Ala; replaces serine 948 with alanine.
Molecular consequence: missense variant.
Genome position (GRCh38, 1-based): chr5:112,838,436, T>G. VCF-style: chr5-112838436-T-G. GRCh37 (hg19) VCF-style: chr5-112174133-T-G.
Other names: c.2842T>G, p.Ser948Ala (NM_001127510.3, NM_001354895.2); c.2788T>G, p.Ser930Ala (NM_001127511.3); c.2896T>G, p.Ser966Ala (NM_001354896.2); c.2872T>G, p.Ser958Ala (NM_001354897.2); c.2767T>G, p.Ser923Ala (NM_001354898.2); c.2758T>G, p.Ser920Ala (NM_001354899.2); c.2719T>G, p.Ser907Ala (NM_001354900.2); c.2665T>G, p.Ser889Ala (NM_001354901.2); and 5 more; short protein forms S665A, S788A, S822A, S847A, S857A, S889A, S907A, S920A.
Identifiers: ClinVar variation 1061819 (VCV001061819.11), dbSNP rs1554084533, ClinGen allele CA16027531.

ClinVar aggregate classification (germline): Uncertain significance. Review status: criteria provided, multiple submitters, no conflicts (2 of 4 stars). 2 submissions from 2 submitters: Uncertain significance (2). Last evaluated 2023-08-07.

Conditions:
Familial adenomatous polyposis 1 (FAP1). Also called: FAMILIAL ADENOMATOUS POLYPOSIS 1, ATTENUATED; POLYPOSIS, ADENOMATOUS INTESTINAL. Identifiers: MedGen C2713442, MONDO:0021056, OMIM 175100. Disease mechanism: loss of function.

Submissions (2):

Baylor Genetics
Classification: Uncertain significance for Familial adenomatous polyposis 1. Last evaluated: 2023-08-07. Review status: criteria provided, single submitter. Criteria: ACMG Guidelines, 2015. Collection method: clinical testing. Allele origin: unknown.

Labcorp Genetics (formerly Invitae), Labcorp
Classification: Uncertain significance for Familial adenomatous polyposis 1. Last evaluated: 2020-03-26. Review status: criteria provided, single submitter. Criteria: Invitae Variant Classification Sherloc (09022015). Collection method: clinical testing. Allele origin: germline.
Comment: In summary, the available evidence is currently insufficient to determine the role of this variant in disease. Therefore, it has been classified as a Variant of Uncertain Significance. This sequence change replaces serine with alanine at codon 948 of the APC protein (p.Ser948Ala). The serine residue is weakly conserved and there is a moderate physicochemical difference between serine and alanine. This variant is not present in population databases (ExAC no frequency). This variant has not been reported in the literature in individuals with APC-related conditions. Algorithms developed to predict the effect of missense changes on protein structure and function (SIFT, PolyPhen-2, Align-GVGD) all suggest that this variant is likely to be tolerated, but these predictions have not been confirmed by published functional studies and their clinical significance is uncertain.